The following is an entry in ClinVar:

NM_001145026.2(PTPRQ):c.2705A>C (p.Asn902Thr)

Gene: PTPRQ (protein tyrosine phosphatase receptor type Q; plus strand). Cytogenetic location: 12q21.31.
Variant type: single nucleotide variant.
Coding change: c.2705A>C on transcript NM_001145026.2 (MANE Select); coding-DNA position 2705, A replaced by C.
Protein change: p.Asn902Thr; replaces asparagine 902 with threonine.
Molecular consequence: missense variant.
Genome position (GRCh38, 1-based): chr12:80,534,041, A>C. VCF-style: chr12-80534041-A-C. GRCh37 (hg19) VCF-style: chr12-80927820-A-C.
Other names: short protein forms N902T.
Identifiers: ClinVar variation 1314652 (VCV001314652.2), dbSNP rs975984734, ClinGen allele CA240249887.

ClinVar aggregate classification (germline): Uncertain significance (1 of 4 stars; one submission).

Allele frequency attached by ClinVar (database versions not stated): gnomAD exomes 0.00002; TOPMed 0.00002; gnomAD 0.00004.
gnomAD v4.1: 115 of 1,522,588 alleles (0.0076%); highest among the groups gnomAD compares: Non-Finnish European, 0.0098%; no homozygotes.

Submission:

GeneDx
Classification: Uncertain significance. Last evaluated: 2020-11-25. Review status: criteria provided, single submitter. Criteria: GeneDx Variant Classification Process June 2021. Collection method: clinical testing. Allele origin: germline. Affected: yes.
Comment: In silico analysis, which includes protein predictors and evolutionary conservation, supports that this variant does not alter protein structure/function; Has not been previously published as pathogenic or benign to our knowledge